The following is an entry in ClinVar:

ClinVar aggregate classification (germline): Likely benign (1 of 4 stars; one submission).

gnomAD v4.1: 2 of 1,614,002 alleles (0.00012%); highest among the groups gnomAD compares: Non-Finnish European, 0.00017%; no homozygotes.

Submission:

CeGaT Center for Human Genetics Tuebingen
Classification: Likely benign. Last evaluated: 2026-01-01. Review status: criteria provided, single submitter. Criteria: CeGaT Center For Human Genetics Tuebingen Variant Classification Criteria Version 2. Collection method: clinical testing. Allele origin: germline. Affected: yes. Observed: 1 variant allele.
Comment: CELF2: PP2, BP4, BS2

NM_001326342.2(CELF2):c.920C>G (p.Thr307Ser)

Gene: CELF2 (CUGBP Elav-like family member 2; plus strand). Cytogenetic location: 10p14.
Variant type: single nucleotide variant.
Coding change: c.920C>G on transcript NM_001326342.2 (MANE Select); coding-DNA position 920, C replaced by G.
Protein change: p.Thr307Ser; replaces threonine 307 with serine.
Molecular consequence: missense variant.
Genome position (GRCh38, 1-based): chr10:11,288,496, C>G. VCF-style: chr10-11288496-C-G. GRCh37 (hg19) VCF-style: chr10-11330459-C-G.
Other names: c.827C>G, p.Thr276Ser (NM_001326320.2, NM_001326321.2, NM_001326323.2 and 15 more transcripts); c.992C>G, p.Thr331Ser (NM_001326325.2); c.935C>G, p.Thr312Ser (NM_001326326.2, NM_001326327.2); c.920C>G, p.Thr307Ser (NM_001326340.2, NM_001326341.2, NM_001326343.2 and 4 more transcripts); c.215C>G, p.Thr72Ser (NM_001326346.2, NM_001326333.2); c.851C>G, p.Thr284Ser (NM_001326347.1); c.899C>G, p.Thr300Ser (NM_001025077.3, NM_001326331.2, NM_001326332.2 and 4 more transcripts); c.566C>G, p.Thr189Ser (NM_001326338.2, NM_001326339.2); short protein forms T189S, T276S, T284S, T300S, T307S, T312S, T331S, T72S.
Identifiers: ClinVar variation 4822086 (VCV004822086.4).